The following is an entry in ClinVar:

NM_032830.3(UTP4):c.1372C>T (p.Gln458Ter)

Gene: UTP4 (UTP4 small subunit processome component). Cytogenetic location: 16q22.1.
Variant type: single nucleotide variant.
Coding change: c.1372C>T on transcript NM_032830.3 (MANE Select); coding-DNA position 1372, C replaced by T.
Protein change: p.Gln458Ter; replaces glutamine 458 with a stop codon.
Molecular consequence: nonsense.
Genome position (GRCh38, 1-based): chr16:69,157,168, C>T. VCF-style: chr16-69157168-C-T. GRCh37 (hg19) VCF-style: chr16-69191071-C-T.
Other names: c.1123C>T, p.Gln375Ter (NM_001318391.2); short protein forms Q458*, Q375*.
Identifiers: ClinVar variation 402539 (VCV000402539.4), dbSNP rs1060499849, ClinGen allele CA16609775.

ClinVar aggregate classification (germline): Uncertain significance (1 of 4 stars; one submission).

Submission:

Laboratory for Molecular Medicine, Mass General Brigham Personalized Medicine
Classification: Uncertain significance. Last evaluated: 2016-03-29. Review status: criteria provided, single submitter. Criteria: LMM Criteria. Collection method: clinical testing. Allele origin: germline.
Comment: Variant identified in a genome or exome case(s) and assessed due to predicted null impact of the variant or pathogenic assertions in the literature or databases. Disclaimer: This variant has not undergone full assessment. The following are preliminary notes: One missense variant in the gene has been reported in patients with North American Indian childhood cirrhosis (Chagnon 2002). Impact of LOF variants in the gene is unclear. There are several very rare LOF variants in ExAC. Gene does not have sufficient evidence to report in BabySeq.